The following is an entry in ClinVar:

ClinVar aggregate classification (germline): Uncertain significance (1 of 4 stars; one submission).

Allele frequency attached by ClinVar (database versions not stated): gnomAD exomes below 0.00001.
gnomAD v4.1: 5 of 1,550,976 alleles (0.00032%); highest among the groups gnomAD compares: Non-Finnish European, 0.00044%; no homozygotes.

Submission:

Labcorp Genetics (formerly Invitae), Labcorp
Classification: Uncertain significance. Last evaluated: 2022-08-15. Review status: criteria provided, single submitter. Criteria: Invitae Variant Classification Sherloc (09022015). Collection method: clinical testing. Allele origin: germline.
Comment: This sequence change replaces threonine, which is neutral and polar, with lysine, which is basic and polar, at codon 2039 of the UNC80 protein (p.Thr2039Lys). This variant is not present in population databases (gnomAD no frequency). This variant has not been reported in the literature in individuals affected with UNC80-related conditions. Algorithms developed to predict the effect of missense changes on protein structure and function are either unavailable or do not agree on the potential impact of this missense change (SIFT: "Not Available"; PolyPhen-2: "Benign"; Align-GVGD: "Not Available"). In summary, the available evidence is currently insufficient to determine the role of this variant in disease. Therefore, it has been classified as a Variant of Uncertain Significance.

NM_001371986.1(UNC80):c.6314C>A (p.Thr2105Lys)

Gene: UNC80 (unc-80 homolog, NALCN channel complex subunit; plus strand). Cytogenetic location: 2q34.
Variant type: single nucleotide variant.
Coding change: c.6314C>A on transcript NM_001371986.1 (MANE Select); coding-DNA position 6314, C replaced by A.
Protein change: p.Thr2105Lys; replaces threonine 2105 with lysine.
Molecular consequence: missense variant.
Genome position (GRCh38, 1-based): chr2:209,936,884, C>A. VCF-style: chr2-209936884-C-A. GRCh37 (hg19) VCF-style: chr2-210801608-C-A.
Other names: c.6116C>A, p.Thr2039Lys (NM_032504.2); c.6101C>A, p.Thr2034Lys (NM_182587.4); short protein forms T2039K, T2034K, T2105K.
Identifiers: ClinVar variation 1970271 (VCV001970271.2), dbSNP rs2091282917, ClinGen allele CA350770808.